The following is an entry in ClinVar:

NM_001368882.1(COL13A1):c.740G>A (p.Arg247Gln)

Gene: COL13A1 (collagen type XIII alpha 1 chain; plus strand). Cytogenetic location: 10q22.1.
Variant type: single nucleotide variant.
Coding change: c.740G>A on transcript NM_001368882.1 (MANE Select); coding-DNA position 740, G replaced by A.
Protein change: p.Arg247Gln; replaces arginine 247 with glutamine.
Molecular consequence: missense variant. On other transcripts: intron variant (3).
Genome position (GRCh38, 1-based): chr10:69,898,752, G>A. VCF-style: chr10-69898752-G-A. GRCh37 (hg19) VCF-style: chr10-71658508-G-A.
Other names: c.770G>A, p.Arg257Gln (NM_001130103.2); c.740G>A, p.Arg247Gln (NM_001320951.2, NM_001368884.1); c.704G>A, p.Arg235Gln (NM_001368883.1, NM_001368885.1); c.140G>A, p.Arg47Gln (NM_001368886.1); c.650G>A, p.Arg217Gln (NM_001368895.1); c.599G>A, p.Arg200Gln (NM_001368896.1, NM_001368898.1, NM_080798.4); c.626G>A, p.Arg209Gln (NM_001368897.1); c.713G>A, p.Arg238Gln (NM_080800.4); and 2 more; short protein forms R200Q, R209Q, R238Q, R235Q, R257Q, R47Q, R217Q, R247Q.
Identifiers: ClinVar variation 1973179 (VCV001973179.4), dbSNP rs375424101, ClinGen allele CA5534419.

ClinVar aggregate classification (germline): Uncertain significance. Review status: criteria provided, multiple submitters, no conflicts (2 of 4 stars). 2 submissions from 2 submitters: Uncertain significance (2). Last evaluated 2023-06-22.

Conditions:
Congenital myasthenic syndrome 19. Identifiers: Orphanet 590, MedGen C4225235, MONDO:0014745, OMIM 616720.

Allele frequency attached by ClinVar (database versions not stated): TOPMed 0.00002; ExAC 0.00004; gnomAD 0.00004; gnomAD exomes 0.00004; ESP Exome Variant Server 0.00008.
gnomAD v4.1: 70 of 1,612,792 alleles (0.0043%); highest among the groups gnomAD compares: Admixed American, 0.0084%; no homozygotes.

Submissions (2):

Revvity Omics, Revvity
Classification: Uncertain significance for Congenital myasthenic syndrome 19. Last evaluated: 2023-06-22. Review status: criteria provided, single submitter. Criteria: ACMG Guidelines, 2015. Collection method: clinical testing. Allele origin: germline.

Labcorp Genetics (formerly Invitae), Labcorp
Classification: Uncertain significance. Last evaluated: 2022-08-16. Review status: criteria provided, single submitter. Criteria: Invitae Variant Classification Sherloc (09022015). Collection method: clinical testing. Allele origin: germline.
Comment: This sequence change replaces arginine, which is basic and polar, with glutamine, which is neutral and polar, at codon 257 of the COL13A1 protein (p.Arg257Gln). This variant is present in population databases (rs375424101, gnomAD 0.01%). This variant has not been reported in the literature in individuals affected with COL13A1-related conditions. Algorithms developed to predict the effect of missense changes on protein structure and function are either unavailable or do not agree on the potential impact of this missense change (SIFT: "Tolerated"; PolyPhen-2: "Possibly Damaging"; Align-GVGD: "Class C0"). In summary, the available evidence is currently insufficient to determine the role of this variant in disease. Therefore, it has been classified as a Variant of Uncertain Significance.